The following is an entry in ClinVar:

NM_025099.6(CTC1):c.1401C>T (p.Tyr467=)

Gene: CTC1 (CST telomere replication complex component 1; minus strand). Cytogenetic location: 17p13.1.
Variant type: single nucleotide variant.
Coding change: c.1401C>T on transcript NM_025099.6 (MANE Select); coding-DNA position 1401, C replaced by T.
Protein change: p.Tyr467=; no amino-acid change (tyrosine 467 retained).
Molecular consequence: synonymous variant. On other transcripts: non-coding transcript variant (1).
Genome position (GRCh38, 1-based): chr17:8,235,091, G>A on the plus strand (C>T on the coding strand, the complement: CTC1 is on the minus strand). VCF-style: chr17-8235091-G-A. GRCh37 (hg19) VCF-style: chr17-8138409-G-A.
Identifiers: ClinVar variation 695651 (VCV000695651.17), dbSNP rs150409406, ClinGen allele CA8372356.

ClinVar aggregate classification (germline): Benign/Likely benign. Review status: criteria provided, multiple submitters, no conflicts (2 of 4 stars). 5 submissions from 5 submitters: Benign (2); Likely benign (2). 1 of the submissions does not count toward it. Last evaluated 2026-01-11.

Conditions:
CTC1-related disorder. Also called: CTC1-related condition.
Dyskeratosis congenita. Identifiers: Orphanet 1775, MedGen C0265965, MONDO:0015780.

Allele frequency attached by ClinVar (database versions not stated): gnomAD exomes 0.00006 and 0.00020; ExAC 0.00024; ESP Exome Variant Server 0.00064; gnomAD 0.00074 and 0.00079; 1000 Genomes Project 0.00080; TOPMed 0.00088; 1000 Genomes Project 30x 0.00094.

Submissions (5):

Labcorp Genetics (formerly Invitae), Labcorp
Classification: Benign for Dyskeratosis congenita. Last evaluated: 2026-01-11. Review status: criteria provided, single submitter. Criteria: Invitae Variant Classification Sherloc (09022015). Collection method: clinical testing. Allele origin: germline.

Blueprint Genetics
Classification: Likely benign. Last evaluated: 2024-07-30. Review status: criteria provided, single submitter. Criteria: ACMG Guidelines, 2015. Collection method: clinical testing. Allele origin: germline.

Sema4
Classification: Likely benign for Dyskeratosis congenita. Last evaluated: 2021-06-17. Review status: criteria provided, single submitter. Criteria: Sema4 Curation Guidelines. Collection method: curation. Allele origin: germline.

Breakthrough Genomics
Classification: Benign. Review status: criteria provided, single submitter. Criteria: ACMG Guidelines, 2015. Collection method: not provided. Allele origin: germline. Inheritance: Autosomal recessive inheritance. Affected: yes.

PreventionGenetics, part of Exact Sciences
Classification: Benign for CTC1-related condition. Last evaluated: 2019-04-08. Review status: no assertion criteria provided. Collection method: clinical testing. Allele origin: germline. Not counted in ClinVar's aggregate classification.
Comment: This variant is classified as benign based on ACMG/AMP sequence variant interpretation guidelines (Richards et al. 2015 PMID: 25741868, with internal and published modifications).